The following is an entry in ClinVar:

ClinVar aggregate classification (germline): Conflicting classifications of pathogenicity. Review status: criteria provided, conflicting classifications (1 of 4 stars). 3 submissions from 3 submitters: Pathogenic (1); Likely pathogenic (1); Uncertain significance (1). Last evaluated 2024-12-12.

Conditions:
Dilated cardiomyopathy 1G (CMD1G). Identifiers: Orphanet 154, MedGen C1858763, MONDO:0011400, OMIM 604145.
Autosomal recessive limb-girdle muscular dystrophy type 2J (LGMDR10). Also called: MUSCULAR DYSTROPHY, LIMB-GIRDLE, AUTOSOMAL RECESSIVE 10; Limb-girdle muscular dystrophy, type 2J. Identifiers: Orphanet 140922, MedGen C1837342, MONDO:0012127, OMIM 608807.
Cardiovascular phenotype. Identifiers: MedGen CN230736.

Submissions (3):

Labcorp Genetics (formerly Invitae), Labcorp
Classification: Likely pathogenic for Dilated cardiomyopathy 1G; Autosomal recessive limb-girdle muscular dystrophy type 2J. Last evaluated: 2024-12-12. Review status: criteria provided, single submitter. Criteria: Invitae Variant Classification Sherloc (09022015). Collection method: clinical testing. Allele origin: germline.
Comment: This sequence change affects a donor splice site in intron 346 of the TTN gene. It is expected to disrupt RNA splicing and likely results in a truncated or disrupted TTN protein. This variant is not present in population databases (gnomAD no frequency). Disruption of this splice site has been observed in individual(s) with dilated cardiomyopathy (PMID: 34315225). ClinVar contains an entry for this variant (Variation ID: 202426). Algorithms developed to predict the effect of sequence changes on RNA splicing suggest that this variant may disrupt the consensus splice site. This variant is located in the A band of TTN (PMID: 25589632). Truncating variants in this region are significantly overrepresented in patients affected with dilated cardiomyopathy (PMID: 25589632). Truncating variants in this region have also been reported in individuals affected with autosomal recessive centronuclear myopathy (PMID: 23975875). In summary, the currently available evidence indicates that the variant is pathogenic, but additional data are needed to prove that conclusively. Therefore, this variant has been classified as Likely Pathogenic.

Ambry Genetics
Classification: Uncertain significance for Cardiovascular phenotype. Last evaluated: 2022-08-08. Review status: criteria provided, single submitter. Criteria: Ambry Variant Classification Scheme 2023. Collection method: clinical testing. Allele origin: germline.
Comment: The c.69115+2T>G intronic variant results from a T to G substitution two nucleotides after coding exon 173 in the TTN gene. Exon 173 is located in the A-band region of the N2-B isoform of the titin protein and is constitutively expressed in TTN transcripts (percent spliced in or PSI 100%). This nucleotide position is highly conserved in available vertebrate species. In silico splice site analysis predicts that this alteration will weaken the native splice donor site. This alteration disrupts the canonical splice site and is expected to cause aberrant splicing. However, although direct evidence is unavailable, this alteration is predicted to result in an in-frame transcript that is not expected to trigger nonsense-mediated mRNA decay. The exact functional effect of the predicted splice impact is unknown. Since supporting evidence is limited at this time, the clinical significance of this alteration remains unclear.

GeneDx
Classification: Pathogenic. Last evaluated: 2014-05-05. Review status: criteria provided, single submitter. Criteria: GeneDx Variant Classification (06012015). Collection method: clinical testing. Allele origin: germline. Affected: yes.
Comment: Although the c.91387+2 T>G mutation has not been reported as a disease-causing mutation or as a benign polymorphism to our knowledge, this mutation destroys the canonical splice donor site in intron 296 and is predicted to cause abnormal gene splicing. The mutation is predicted to lead to either an abnormal message that is subject to nonsense-mediated mRNA decay, or to an abnormal protein product if the message is used for protein translation. Other truncating TTN variants have been reported in approximately 3% of control alleles (Herman D et al., 2012). However, c.91387+2 T>G is located in the A-band region of titin, where the majority of truncating mutations associated with DCM have been reported (Herman D et al., 2012). The variant is found in DCM-CRDM panel(s).

Literature cited by the submitters: PubMed 34315225 (cited by Labcorp Genetics (formerly Invitae), Labcorp); PubMed 25589632 (cited by Labcorp Genetics (formerly Invitae), Labcorp); PubMed 23975875 (cited by Labcorp Genetics (formerly Invitae), Labcorp).

NM_001267550.2(TTN):c.96310+2T>G

Genes: TTN (titin; minus strand), TTN-AS1 (TTN antisense RNA 1; plus strand), LOC126806421 (CDK7 strongly-dependent group 2 enhancer GRCh37_chr2:179407630-179408829; plus strand). Cytogenetic location: 2q31.2.
Variant type: single nucleotide variant.
Coding change: c.96310+2T>G on transcript NM_001267550.2 (MANE Select); the canonical splice donor site of the intron after coding-DNA position 96310, T replaced by G.
Molecular consequence: splice donor variant.
Genome position (GRCh38, 1-based): chr2:178,543,832, A>C on the plus strand (T>G on the coding strand, the complement: TTN is on the minus strand). VCF-style: chr2-178543832-A-C. GRCh37 (hg19) VCF-style: chr2-179408559-A-C.
Other names: c.88606+2T>G (NM_133378.4); c.91387+2T>G (NM_001256850.1); c.69115+2T>G (NM_003319.4); c.69691+2T>G (NM_133437.4); c.69490+2T>G (NM_133432.3).
Identifiers: ClinVar variation 202426 (VCV000202426.8), dbSNP rs794729303, ClinGen allele CA309373.